The following is an entry in ClinVar:

ClinVar aggregate classification (germline): Uncertain significance (1 of 4 stars; one submission).

Conditions:
BAP1-related tumor predisposition syndrome (TPDS1). Also called: Tumor susceptibility linked to germline BAP1 mutations; COMMON Syndrome; TUMOR PREDISPOSITION SYNDROME 1; BAP1 tumor predisposition syndrome. Identifiers: Orphanet 289539, MedGen C3280492, MONDO:0013692, OMIM 614327.

Submission:

Labcorp Genetics (formerly Invitae), Labcorp
Classification: Uncertain significance for BAP1-related tumor predisposition syndrome. Last evaluated: 2024-05-18. Review status: criteria provided, single submitter. Criteria: Invitae Variant Classification Sherloc (09022015). Collection method: clinical testing. Allele origin: germline.
Comment: This sequence change replaces histidine, which is basic and polar, with tyrosine, which is neutral and polar, at codon 94 of the BAP1 protein (p.His94Tyr). This variant is not present in population databases (gnomAD no frequency). This variant has not been reported in the literature in individuals affected with BAP1-related conditions. Advanced modeling of protein sequence and biophysical properties (such as structural, functional, and spatial information, amino acid conservation, physicochemical variation, residue mobility, and thermodynamic stability) performed at Invitae indicates that this missense variant is expected to disrupt BAP1 protein function with a positive predictive value of 80%. In summary, the available evidence is currently insufficient to determine the role of this variant in disease. Therefore, it has been classified as a Variant of Uncertain Significance.

NM_004656.4(BAP1):c.280C>T (p.His94Tyr)

Gene: BAP1 (BRCA1 associated deubiquitinase 1; minus strand). Cytogenetic location: 3p21.1.
Variant type: single nucleotide variant.
Coding change: c.280C>T on transcript NM_004656.4 (MANE Select); coding-DNA position 280, C replaced by T.
Protein change: p.His94Tyr; replaces histidine 94 with tyrosine.
Molecular consequence: missense variant.
Genome position (GRCh38, 1-based): chr3:52,408,053, G>A on the plus strand (C>T on the coding strand, the complement: BAP1 is on the minus strand). VCF-style: chr3-52408053-G-A. GRCh37 (hg19) VCF-style: chr3-52442069-G-A.
Other names: c.280C>T, p.His94Tyr (NM_001410772.1); short protein forms H94Y.
Identifiers: ClinVar variation 3613628 (VCV003613628.2).
Genomic context (GRCh38, chr3:52,408,053, plus strand): 5'-GACTCAGGGTGGGTCCCAGGTCCACGCTGCTGCAGTTCAGGAGCACGCTCAGCAAGGCAT[G>A]AGTTGCACAAGAGTTGGGTATCAGCTGTGAAACCAAGAATAGTCACCCATACACAGCACC-3'
Protein context (NP_004647.1, residues 84-104): HQLIPNSCAT[His94Tyr]ALLSVLLNCS